The following is an entry in ClinVar:

NM_017514.5(PLXNA3):c.1296G>A (p.Thr432=)

Gene: PLXNA3 (plexin A3; plus strand). Cytogenetic location: Xq28.
Variant type: single nucleotide variant.
Coding change: c.1296G>A on transcript NM_017514.5 (MANE Select); coding-DNA position 1296, G replaced by A.
Protein change: p.Thr432=; no amino-acid change (threonine 432 retained).
Molecular consequence: synonymous variant.
Genome position (GRCh38, 1-based): chrX:154,462,289, G>A. VCF-style: chrX-154462289-G-A. GRCh37 (hg19) VCF-style: chrX-153690629-G-A.
Identifiers: ClinVar variation 717565 (VCV000717565.5), dbSNP rs146539077, ClinGen allele CA10563980.

ClinVar aggregate classification (germline): Benign. Review status: criteria provided, single submitter (1 of 4 stars). 2 submissions from 2 submitters: Benign (1). 1 of the submissions does not count toward it. Last evaluated 2018-05-03.

Conditions:
PLXNA3-related disorder. Also called: PLXNA3-related condition.

Allele frequency attached by ClinVar (database versions not stated): 1000 Genomes Project 30x 0.00021; 1000 Genomes Project 0.00026; ExAC 0.00068; gnomAD exomes 0.00071; gnomAD 0.00078 and 0.00080; TOPMed 0.00083; ESP Exome Variant Server 0.00104.
gnomAD v4.1: 1,575 of 1,158,827 alleles (0.14%); highest among the groups gnomAD compares: Non-Finnish European, 0.17%; 1 homozygote.

Submissions (2):

Labcorp Genetics (formerly Invitae), Labcorp
Classification: Benign. Last evaluated: 2018-05-03. Review status: criteria provided, single submitter. Criteria: Invitae Variant Classification Sherloc (09022015). Collection method: clinical testing. Allele origin: germline.

PreventionGenetics, part of Exact Sciences
Classification: Likely benign for PLXNA3-related condition. Last evaluated: 2019-08-14. Review status: no assertion criteria provided. Collection method: clinical testing. Allele origin: germline. Not counted in ClinVar's aggregate classification.
Comment: This variant is classified as likely benign based on ACMG/AMP sequence variant interpretation guidelines (Richards et al. 2015 PMID: 25741868, with internal and published modifications).